The following is an entry in ClinVar:

NM_172107.4(KCNQ2):c.599T>C (p.Leu200Pro)

Gene: KCNQ2 (potassium voltage-gated channel subfamily Q member 2; minus strand). Cytogenetic location: 20q13.33.
Variant type: single nucleotide variant.
Coding change: c.599T>C on transcript NM_172107.4 (MANE Select); coding-DNA position 599, T replaced by C.
Protein change: p.Leu200Pro; replaces leucine 200 with proline.
Molecular consequence: missense variant.
Genome position (GRCh38, 1-based): chr20:63,444,750, A>G on the plus strand (T>C on the coding strand, the complement: KCNQ2 is on the minus strand). VCF-style: chr20-63444750-A-G. GRCh37 (hg19) VCF-style: chr20-62076103-A-G.
Other names: p.L200P:CTG>CCG; c.599T>C, p.Leu200Pro (NM_004518.6, NM_172106.3, NM_172108.5 and 1 more transcripts); short protein forms L200P.
Identifiers: ClinVar variation 205868 (VCV000205868.2), dbSNP rs796052622, ClinGen allele CA315363.

ClinVar aggregate classification (germline): Likely pathogenic (1 of 4 stars; one submission).

Submission:

GeneDx
Classification: Likely pathogenic. Last evaluated: 2013-07-23. Review status: criteria provided, single submitter. Criteria: GeneDx Variant Classification (06012015). Collection method: clinical testing. Allele origin: germline. Affected: yes.
Comment: p.Leu200Pro (CTG>CCG): c.599 T>C in exon 4 of the KCNQ2 gene (NM_172107.2)The Leu200Pro missense change has not been published as a mutation, nor has it been reported as a benign polymorphism to our knowledge. It was not observed in approximately 6,500 individuals of European and African American ancestry in the NHLBI Exome Sequencing Project, indicating it is not a common benign variant in these populations. Although both Leucine and Proline are uncharged, non-polar amino acid residues, the gain of a Proline may affect the secondary structure of the KCNQ2 protein. Leu200Pro alters a highly conserved position in the S4 voltage-sensor segment of the protein and other missense mutations in this region of the protein have been reported in association with epilepsy. In addition, multiple in-silico algorithms predict Leu200Pro may be damaging to the structure/function of the protein. Therefore, based on the currently available information, Leu200Pro is a strong candidate for a disease-causing mutation, although the possibility that it is a benign variant cannot be excluded. The variant is found in INFANT-EPI panel(s).